The following is an entry in ClinVar:

NM_002234.4(KCNA5):c.622G>A (p.Glu208Lys)

Gene: KCNA5 (potassium voltage-gated channel subfamily A member 5; plus strand). Cytogenetic location: 12p13.32.
Variant type: single nucleotide variant.
Coding change: c.622G>A on transcript NM_002234.4 (MANE Select); coding-DNA position 622, G replaced by A.
Protein change: p.Glu208Lys; replaces glutamic acid 208 with lysine.
Molecular consequence: missense variant.
Genome position (GRCh38, 1-based): chr12:5,044,769, G>A. VCF-style: chr12-5044769-G-A. GRCh37 (hg19) VCF-style: chr12-5153935-G-A.
Other names: short protein forms E208K.
Identifiers: ClinVar variation 2916605 (VCV002916605.3), dbSNP rs745920419, ClinGen allele CA383464807.

ClinVar aggregate classification (germline): Uncertain significance (1 of 4 stars; one submission).

Conditions:
Atrial fibrillation, familial, 7 (ATFB7). Identifiers: MedGen C2677106, MONDO:0012828, OMIM 612240.

Submission:

Labcorp Genetics (formerly Invitae), Labcorp
Classification: Uncertain significance for Atrial fibrillation, familial, 7. Last evaluated: 2023-12-14. Review status: criteria provided, single submitter. Criteria: Invitae Variant Classification Sherloc (09022015). Collection method: clinical testing. Allele origin: germline.
Comment: This sequence change replaces glutamic acid, which is acidic and polar, with lysine, which is basic and polar, at codon 208 of the KCNA5 protein (p.Glu208Lys). This variant is not present in population databases (gnomAD no frequency). This variant has not been reported in the literature in individuals affected with KCNA5-related conditions. Advanced modeling of protein sequence and biophysical properties (such as structural, functional, and spatial information, amino acid conservation, physicochemical variation, residue mobility, and thermodynamic stability) performed at Invitae indicates that this missense variant is not expected to disrupt KCNA5 protein function with a negative predictive value of 80%. In summary, the available evidence is currently insufficient to determine the role of this variant in disease. Therefore, it has been classified as a Variant of Uncertain Significance.